The following is an entry in ClinVar:

NM_002439.5(MSH3):c.2821G>A (p.Ala941Thr)

Gene: MSH3 (mutS homolog 3; plus strand). Cytogenetic location: 5q14.1.
Variant type: single nucleotide variant.
Coding change: c.2821G>A on transcript NM_002439.5 (MANE Select); coding-DNA position 2821, G replaced by A.
Protein change: p.Ala941Thr; replaces alanine 941 with threonine.
Molecular consequence: missense variant.
Genome position (GRCh38, 1-based): chr5:80,854,137, G>A. VCF-style: chr5-80854137-G-A. GRCh37 (hg19) VCF-style: chr5-80149956-G-A.
Other names: c.2821G>A (NM_002439.3); short protein forms A941T.
Identifiers: ClinVar variation 640928 (VCV000640928.12), dbSNP rs751103891, ClinGen allele CA3328380.

ClinVar aggregate classification (germline): Uncertain significance. Review status: criteria provided, multiple submitters, no conflicts (2 of 4 stars). 2 submissions from 2 submitters: Uncertain significance (2). Last evaluated 2025-09-20.

Conditions:
Hereditary cancer-predisposing syndrome. Also called: Neoplastic Syndromes, Hereditary; Tumor predisposition; Hereditary Cancer Syndrome; Hereditary neoplastic syndrome. Identifiers: Orphanet 140162, MedGen C0027672, MeSH D009386, MONDO:0015356.

Allele frequency attached by ClinVar (database versions not stated): ExAC 0.00001.

Submissions (2):

Labcorp Genetics (formerly Invitae), Labcorp
Classification: Uncertain significance. Last evaluated: 2025-09-20. Review status: criteria provided, single submitter. Criteria: Invitae Variant Classification Sherloc (09022015). Collection method: clinical testing. Allele origin: germline.
Comment: This sequence change replaces alanine, which is neutral and non-polar, with threonine, which is neutral and polar, at codon 941 of the MSH3 protein (p.Ala941Thr). This variant is not present in population databases (gnomAD no frequency). This variant has not been reported in the literature in individuals affected with MSH3-related conditions. ClinVar contains an entry for this variant (Variation ID: 640928). An algorithm developed to predict the effect of missense changes on protein structure and function (PolyPhen-2) suggests that this variant is likely to be disruptive. In summary, the available evidence is currently insufficient to determine the role of this variant in disease. Therefore, it has been classified as a Variant of Uncertain Significance.

Ambry Genetics
Classification: Uncertain significance for Hereditary cancer-predisposing syndrome. Last evaluated: 2024-12-09. Review status: criteria provided, single submitter. Criteria: Ambry Variant Classification Scheme 2023. Collection method: clinical testing. Allele origin: germline.
Comment: The p.A941T variant (also known as c.2821G>A), located in coding exon 21 of the MSH3 gene, results from a G to A substitution at nucleotide position 2821. The alanine at codon 941 is replaced by threonine, an amino acid with similar properties. This amino acid position is highly conserved in available vertebrate species. In addition, this alteration is predicted to be deleterious by in silico analysis. Since supporting evidence is limited at this time, the clinical significance of this alteration remains unclear.